The following is an entry in ClinVar:

ClinVar aggregate classification (germline): Conflicting classifications of pathogenicity. Review status: criteria provided, conflicting classifications (1 of 4 stars). 5 submissions from 5 submitters: Likely pathogenic (3); Uncertain significance (2). Last evaluated 2024-10-17.

Conditions:
Proline dehydrogenase deficiency (HYRPRO1). Also called: PROLINE OXIDASE DEFICIENCY; Hyperprolinemia type 1. Identifiers: Orphanet 419, MedGen C0268529, MONDO:0009400, OMIM 239500.
Schizophrenia 4 (SCZD4). Also called: SCHIZOPHRENIA SUSCEPTIBILITY LOCUS, CHROMOSOME 22q11-RELATED; SCHIZOPHRENIA, SUSCEPTIBILITY TO, 4. Identifiers: MedGen C1833247, MONDO:0010943, OMIM 600850.

Allele frequency attached by ClinVar (database versions not stated): gnomAD exomes 0.00017; ExAC 0.00024.

Submissions (7):

Labcorp Genetics (formerly Invitae), Labcorp
Classification: Likely pathogenic for Proline dehydrogenase deficiency. Last evaluated: 2024-10-17. Review status: criteria provided, single submitter. Criteria: Invitae Variant Classification Sherloc (09022015). Collection method: clinical testing. Allele origin: germline.
Comment: This sequence change affects an acceptor splice site in intron 8 of the PRODH gene. It is expected to disrupt RNA splicing. Variants that disrupt the donor or acceptor splice site typically lead to a loss of protein function (PMID: 16199547), and loss-of-function variants in PRODH are known to be pathogenic (PMID: 12525555, 15662599, 19736351). This variant is present in population databases (rs751149776, gnomAD 0.04%). This variant has not been reported in the literature in individuals affected with PRODH-related conditions. ClinVar contains an entry for this variant (Variation ID: 1466893). Algorithms developed to predict the effect of sequence changes on RNA splicing suggest that this variant may disrupt the consensus splice site. In summary, the currently available evidence indicates that the variant is pathogenic, but additional data are needed to prove that conclusively. Therefore, this variant has been classified as Likely Pathogenic.

Fulgent Genetics
Classification: Likely pathogenic for Proline dehydrogenase deficiency; Schizophrenia 4. Last evaluated: 2024-04-10. Review status: criteria provided, single submitter. Criteria: ACMG Guidelines, 2015. Collection method: clinical testing. Allele origin: germline.

Women's Health and Genetics/Laboratory Corporation of America, LabCorp
Classification: Likely pathogenic for Proline dehydrogenase deficiency. Last evaluated: 2023-08-24. Review status: criteria provided, single submitter. Criteria: LabCorp Variant Classification Summary - May 2015. Collection method: clinical testing. Allele origin: germline.
Comment: Variant summary: PRODH c.930-1G>C is located in a canonical splice-site and is predicted to affect mRNA splicing resulting in a significantly altered protein due to either exon skipping, shortening, or inclusion of intronic material. Several computational tools predict a significant impact on normal splicing: Four predict the variant abolishes a canonical 3' acceptor site. However, these predictions have yet to be confirmed by functional studies. The variant allele was found at a frequency of 0.00017 in 155782 control chromosomes (gnomAD). To our knowledge, no occurrence of c.930-1G>C in individuals affected with Proline Dehydrogenase Deficiency and no experimental evidence demonstrating its impact on protein function have been reported. Three ClinVar submitters have assessed the variant since 2014: one classified the variant as uncertain significance, and two as likely pathogenic. Based on the evidence outlined above, the variant was classified as likely pathogenic.

GeneDx
Classification: Uncertain significance. Last evaluated: 2022-05-11. Review status: criteria provided, single submitter. Criteria: GeneDx Variant Classification Process June 2021. Collection method: clinical testing. Allele origin: germline. Affected: yes.
Comment: Canonical splice site variant in a gene or region of a gene for which loss of function is not a well-established mechanism of disease; Has not been previously published as pathogenic or benign to our knowledge

Department of Pathology and Laboratory Medicine, Sinai Health System
Classification: Uncertain significance for hyperprolinemia type 1. Last evaluated: 2022-02-03. Review status: criteria provided, single submitter. Criteria: ACMG Guidelines, 2015. Collection method: research. Allele origin: germline.

Dr. Peter K. Rogan Lab, Western University
No classification provided (evidence only). Condition: Acute myeloid leukemia. Review status: no classification provided. Collection method: in vitro. Allele origin: not applicable. Functional consequence: retained intron. Not counted in ClinVar's aggregate classification.

Dr. Peter K. Rogan Lab, Western University
No classification provided (evidence only). Condition: Uterine corpus endometrial carcinoma. Review status: no classification provided. Collection method: in vitro. Allele origin: not applicable. Functional consequence: retained intron. Not counted in ClinVar's aggregate classification.

Literature cited by the submitters: PubMed 16199547 (cited by Labcorp Genetics (formerly Invitae), Labcorp); PubMed 12525555 (cited by Labcorp Genetics (formerly Invitae), Labcorp); PubMed 15662599 (cited by Labcorp Genetics (formerly Invitae), Labcorp); PubMed 19736351 (cited by Labcorp Genetics (formerly Invitae), Labcorp).

NM_016335.6(PRODH):c.930-1G>C

Gene: PRODH (proline dehydrogenase 1; minus strand). Cytogenetic location: 22q11.21.
Variant type: single nucleotide variant.
Coding change: c.930-1G>C on transcript NM_016335.6 (MANE Select); the canonical splice acceptor site of the intron before coding-DNA position 930, G replaced by C.
Molecular consequence: splice acceptor variant.
Genome position (GRCh38, 1-based): chr22:18,921,424, C>G on the plus strand (G>C on the coding strand, the complement: PRODH is on the minus strand). VCF-style: chr22-18921424-C-G. GRCh37 (hg19) VCF-style: chr22-18908937-C-G.
Other names: c.930-1G>C (NM_016335.4); c.606-1G>C (NM_001195226.2, NM_001368250.2).
Identifiers: ClinVar variation 1466893 (VCV001466893.14), dbSNP rs751149776, ClinGen allele CA10095172.